The following is an entry in ClinVar:

ClinVar aggregate classification (germline): Uncertain significance (1 of 4 stars; one submission).

Submission:

Dasa
Classification: Uncertain significance. Last evaluated: 2025-06-16. Review status: criteria provided, single submitter. Criteria: DASA Assertion Criteria. Collection method: clinical testing. Allele origin: germline.
Comment: NM_001983.4(ERCC1):c.874C>T (p.Pro292Ser) is a missense variant that results in the substitution of proline with serine. This variant is rare in population databases. The currently available literature and clinical evidence are not sufficient to establish a definitive association between this variant and the reported condition. Therefore, this variant is classified as a variant of uncertain significance.

NM_001983.4(ERCC1):c.874C>T (p.Pro292Ser)

Genes: ERCC1 (ERCC excision repair 1, endonuclease non-catalytic subunit; minus strand), POLR1G (RNA polymerase I subunit G; plus strand). Cytogenetic location: 19q13.32.
Variant type: single nucleotide variant.
Coding change: c.874C>T on transcript NM_001983.4 (MANE Select); coding-DNA position 874, C replaced by T.
Protein change: p.Pro292Ser; replaces proline 292 with serine.
Molecular consequence: missense variant. On other transcripts: 3 prime UTR variant (2).
Genome position (GRCh38, 1-based): chr19:45,409,695, G>A on the plus strand (C>T on the coding strand, the complement: ERCC1 is on the minus strand). VCF-style: chr19-45409695-G-A. GRCh37 (hg19) VCF-style: chr19-45912953-G-A.
Other names: c.*194G>A (NM_012099.3, NM_001297590.3); c.802C>T, p.Pro268Ser (NM_001166049.2, NM_001369417.1, NM_001369418.1 and 1 more transcripts); c.874C>T, p.Pro292Ser (NM_001369412.1, NM_001369413.1, NM_001369414.1 and 2 more transcripts); short protein forms P268S, P292S.
Identifiers: ClinVar variation 4883592 (VCV004883592.2).
Genomic context (GRCh38, chr19:45,409,695, plus strand): 5'-TTTATTATTACACTGGGGGTTTCCTTGGCAGCTGGGGTCATCAGGGTACTTTCAAGAAGG[G>A]CTCGTGCAGGACATCAAACAGCCTCCGGGCCTGGATGGGAGGGAGAAAAAAATGAGGAAC-3'
Protein context (NP_001974.1, residues 282-297): ARRLFDVLHE[Pro292Ser]FLKVP